The following is an entry in ClinVar:

ClinVar aggregate classification (germline): Pathogenic (1 of 4 stars; one submission).

Conditions:
Mucolipidosis type II. Also called: ML II ALPHA/BETA; Mucolipidosis 2; ML 2; Inclusion cell disease; Leroy Disease; N-acetylglucosamine 1phosphotransferase deficiency. Identifiers: Orphanet 576, MedGen C2673377, MONDO:0009650, OMIM 252500.
Pseudo-Hurler polydystrophy. Also called: ML III; ML III ALPHA/BETA; Type III Mucolipidosis; ML IIIA; Mucolipidosis III Alpha/Beta; MUCOLIPIDOSIS IIIA. Identifiers: Orphanet 423461, Orphanet 577, MedGen C0033788, MONDO:0018931, OMIM 252600.

Submission:

Labcorp Genetics (formerly Invitae), Labcorp
Classification: Pathogenic for Pseudo-Hurler polydystrophy; Mucolipidosis type II. Last evaluated: 2023-03-16. Review status: criteria provided, single submitter. Criteria: Invitae Variant Classification Sherloc (09022015). Collection method: clinical testing. Allele origin: germline.
Comment: For these reasons, this variant has been classified as Pathogenic. This variant has not been reported in the literature in individuals affected with GNPTAB-related conditions. This variant is not present in population databases (gnomAD no frequency). This sequence change creates a premature translational stop signal (p.Leu280*) in the GNPTAB gene. It is expected to result in an absent or disrupted protein product. Loss-of-function variants in GNPTAB are known to be pathogenic (PMID: 19617216, 25107912).

Literature cited by the submitters: PubMed 19617216; PubMed 25107912.

NM_024312.5(GNPTAB):c.839del (p.Glu279_Leu280insTer)

Gene: GNPTAB (N-acetylglucosamine-1-phosphate transferase subunits alpha and beta; minus strand). Cytogenetic location: 12q23.2.
Variant type: Deletion.
Coding change: c.839del on transcript NM_024312.5 (MANE Select); coding-DNA position 839, one base deleted (T; older notation c.839delT).
Protein change: p.Glu279_Leu280insTer.
Molecular consequence: nonsense.
Genome position (GRCh38, 1-based): chr12:101,771,090, A deleted on the plus strand (T on the coding strand, the reverse complement: GNPTAB is on the minus strand); the first of 2 consecutive A bases (chr12:101,771,090-101,771,091); deleting either gives the same sequence. VCF-style (leftmost placement, unchanged base first): chr12-101771089-CA-C. GRCh37 (hg19) VCF-style: chr12-102164867-CA-C.
Identifiers: ClinVar variation 2945354 (VCV002945354.3), dbSNP rs2547961918, ClinGen allele CA2740092572.
Genomic context (GRCh38, chr12:101,771,089, plus strand): 5'-TGCAGGACTTATGGTCAGTTCTTTTCCATCAATGGTCATGTTCTTCTTAGTTTGCTTATT[CA>C]ATTCTTGAAAATCCTTGGGGTTATTCAGTTTTAGAAGCGCTACACTGGCCTCTGAATACA-3'